The following is an entry in ClinVar:

ClinVar aggregate classification (germline): Uncertain significance. Review status: criteria provided, multiple submitters, no conflicts (2 of 4 stars). 2 submissions from 2 submitters: Uncertain significance (2). Last evaluated 2023-09-13.

Conditions:
Nemaline myopathy 9 (NEM9). Identifiers: MedGen C3810384, MONDO:0014326, OMIM 615731.
Inborn genetic diseases. Identifiers: MedGen C0950123, MeSH D030342.

Allele frequency attached by ClinVar (database versions not stated): gnomAD 0.00001; ExAC 0.00002; gnomAD exomes 0.00002.

Submissions (2):

Ambry Genetics
Classification: Uncertain significance for Inborn genetic diseases. Last evaluated: 2023-09-13. Review status: criteria provided, single submitter. Criteria: Ambry Variant Classification Scheme 2023. Collection method: clinical testing. Allele origin: germline.

Labcorp Genetics (formerly Invitae), Labcorp
Classification: Uncertain significance for Nemaline myopathy 9. Last evaluated: 2022-08-10. Review status: criteria provided, single submitter. Criteria: Invitae Variant Classification Sherloc (09022015). Collection method: clinical testing. Allele origin: germline.
Comment: This variant is present in population databases (rs773708864, gnomAD 0.02%). This variant has not been reported in the literature in individuals affected with KLHL41-related conditions. ClinVar contains an entry for this variant (Variation ID: 1391676). Algorithms developed to predict the effect of missense changes on protein structure and function are either unavailable or do not agree on the potential impact of this missense change (SIFT: "Deleterious"; PolyPhen-2: "Benign"; Align-GVGD: "Class C15"). In summary, the available evidence is currently insufficient to determine the role of this variant in disease. Therefore, it has been classified as a Variant of Uncertain Significance. This sequence change replaces lysine, which is basic and polar, with glutamic acid, which is acidic and polar, at codon 253 of the KLHL41 protein (p.Lys253Glu).

NM_006063.3(KLHL41):c.757A>G (p.Lys253Glu)

Gene: KLHL41 (kelch like family member 41; plus strand). Cytogenetic location: 2q31.1.
Variant type: single nucleotide variant.
Coding change: c.757A>G on transcript NM_006063.3 (MANE Select); coding-DNA position 757, A replaced by G.
Protein change: p.Lys253Glu; replaces lysine 253 with glutamic acid.
Molecular consequence: missense variant.
Genome position (GRCh38, 1-based): chr2:169,510,535, A>G. VCF-style: chr2-169510535-A-G. GRCh37 (hg19) VCF-style: chr2-170367045-A-G.
Other names: c.757A>G (NM_006063.2); short protein forms K253E.
Identifiers: ClinVar variation 1391676 (VCV001391676.9), dbSNP rs773708864, ClinGen allele CA1956551.
Genomic context (GRCh38, chr2:169,510,535, plus strand): 5'-AAGGATCATGTTGAGAAAGATGATATAATTAAAAGCAACCCAGACCTCCAGAAAAAAATC[A>G]AAGTTCTAAAAGATGCTTTCGCAGGCAAACTCCCAGAACCTAGCAAAAATGCCGCGAAGA-3'
Protein context (NP_006054.2, residues 243-263): KSNPDLQKKI[Lys253Glu]VLKDAFAGKL